The following is an entry in ClinVar:

ClinVar aggregate classification (germline): Likely benign (1 of 4 stars; one submission).

Submission:

CeGaT Center for Human Genetics Tuebingen
Classification: Likely benign. Last evaluated: 2024-08-01. Review status: criteria provided, single submitter. Criteria: CeGaT Center For Human Genetics Tuebingen Variant Classification Criteria Version 2. Collection method: clinical testing. Allele origin: germline. Affected: yes. Observed: 1 variant allele.
Comment: RBM20: PM2:Supporting, BP4, BP7

NM_001134363.3(RBM20):c.3141T>G (p.Ser1047=)

Gene: RBM20 (RNA binding motif protein 20; plus strand). Cytogenetic location: 10q25.2.
Variant type: single nucleotide variant.
Coding change: c.3141T>G on transcript NM_001134363.3 (MANE Select); coding-DNA position 3141, T replaced by G.
Protein change: p.Ser1047=; no amino-acid change (serine 1047 retained).
Molecular consequence: synonymous variant.
Genome position (GRCh38, 1-based): chr10:110,821,760, T>G. VCF-style: chr10-110821760-T-G. GRCh37 (hg19) VCF-style: chr10-112581518-T-G.
Identifiers: ClinVar variation 3341727 (VCV003341727.16).